The following is an entry in ClinVar:

ClinVar aggregate classification (germline): Uncertain significance (1 of 4 stars; one submission).

Submission:

Ambry Genetics
Classification: Uncertain significance. Last evaluated: 2025-05-19. Review status: criteria provided, single submitter. Criteria: Ambry Variant Classification Scheme 2023. Collection method: clinical testing. Allele origin: germline.
Comment: The p.V1269L variant (also known as c.3805G>C), located in coding exon 34 of the KIF1B gene, results from a G to C substitution at nucleotide position 3805. The valine at codon 1269 is replaced by leucine, an amino acid with highly similar properties. This amino acid position is conserved. In addition, this alteration is predicted to be deleterious by in silico analysis. Based on the available evidence, the clinical significance of this variant remains unclear.

NM_001365951.3(KIF1B):c.3943G>C (p.Val1315Leu)

Gene: KIF1B (kinesin family member 1B; plus strand). Cytogenetic location: 1p36.22.
Variant type: single nucleotide variant.
Coding change: c.3943G>C on transcript NM_001365951.3 (MANE Select); coding-DNA position 3943, G replaced by C.
Protein change: p.Val1315Leu; replaces valine 1315 with leucine.
Molecular consequence: missense variant.
Genome position (GRCh38, 1-based): chr1:10,348,727, G>C. VCF-style: chr1-10348727-G-C. GRCh37 (hg19) VCF-style: chr1-10408785-G-C.
Other names: c.3943G>C, p.Val1315Leu (NM_001365952.1); c.3805G>C, p.Val1269Leu (NM_015074.3); short protein forms V1269L, V1315L.
Identifiers: ClinVar variation 4043143 (VCV004043143.1).